The following is an entry in ClinVar:

ClinVar aggregate classification (germline): Uncertain significance (1 of 4 stars; one submission).

Submission:

GeneDx
Classification: Uncertain significance. Last evaluated: 2025-03-19. Review status: criteria provided, single submitter. Criteria: GeneDx Variant Classification Process June 2021. Collection method: clinical testing. Allele origin: germline. Affected: yes.
Comment: Not observed at significant frequency in large population cohorts (gnomAD); In silico analysis indicates that this missense variant does not alter protein structure/function; Has not been previously published as pathogenic or benign to our knowledge

NM_002972.4(SBF1):c.76C>G (p.Gln26Glu)

Gene: SBF1 (SET binding factor 1; minus strand). Cytogenetic location: 22q13.33.
Variant type: single nucleotide variant.
Coding change: c.76C>G on transcript NM_002972.4 (MANE Select); coding-DNA position 76, C replaced by G.
Protein change: p.Gln26Glu; replaces glutamine 26 with glutamic acid.
Molecular consequence: missense variant.
Genome position (GRCh38, 1-based): chr22:50,468,441, G>C on the plus strand (C>G on the coding strand, the complement: SBF1 is on the minus strand). VCF-style: chr22-50468441-G-C. GRCh37 (hg19) VCF-style: chr22-50906870-G-C.
Other names: c.76C>G, p.Gln26Glu (NM_001365819.1); short protein forms Q26E.
Identifiers: ClinVar variation 1308075 (VCV001308075.3), dbSNP rs376814960, ClinGen allele CA325538154.
Genomic context (GRCh38, chr22:50,468,441, plus strand): 5'-CGATGCCCTGGGGGAATGGGTTGTCCTCCCAGTCCTTCTCTGGGAAGCGCTGCAGAATCT[G>C]GCCCTGGCCTTCCCCACTCCCTGAGGACAAGAACAGGGGGTCAGAGCACCCAACCCGCCC-3'
Protein context (NP_002963.2, residues 16-36): HPRGSGEGQG[Gln26Glu]ILQRFPEKDW